The following is an entry in ClinVar:

NM_016628.5(WAC):c.257_258del (p.Val86fs)

Gene: WAC (WW domain containing adaptor with coiled-coil; plus strand). Cytogenetic location: 10p12.1.
Variant type: Deletion.
Coding change: c.257_258del on transcript NM_016628.5 (MANE Select); coding-DNA positions 257 to 258, 2 bases deleted (TT; older notation c.257_258delTT).
Protein change: p.Val86fs; shifts the reading frame from valine 86.
Molecular consequence: frameshift variant.
Genome position (GRCh38, 1-based): chr10:28,535,740-28,535,741, TT deleted. VCF-style (leftmost placement, unchanged base first): chr10-28535739-GTT-G. GRCh37 (hg19) VCF-style: chr10-28824668-GTT-G.
Other names: c.122_123del, p.Val41fs (NM_100264.3); c.257_258del, p.Val86fs (NM_100486.4); short protein forms V41fs, V86fs.
Identifiers: ClinVar variation 503976 (VCV000503976.2), dbSNP rs1554776457, ClinGen allele CA658797409.

ClinVar aggregate classification (germline): Pathogenic (1 of 4 stars; one submission).

Submission:

GeneDx
Classification: Pathogenic. Last evaluated: 2018-01-03. Review status: criteria provided, single submitter. Criteria: GeneDx Variant Classification (06012015). Collection method: clinical testing. Allele origin: germline. Affected: yes.
Comment: The c.257_258delTT variant in the WAC gene has not been reported previously as a pathogenic variant nor as a benign variant, to our knowledge. The c.257_258delTT variant causes a frameshift starting with codon Valine 86, changes this amino acid to a Glutamic acid residue, and creates a premature Stop codon at position 23 of the new reading frame, denoted p.Val86GlufsX23. This variant is predicted to cause loss of normal protein function either through protein truncation or nonsense-mediated mRNA decay. The c.257_258delTT variant is not observed in large population cohorts (Lek et al., 2016).